The following is an entry in ClinVar:

ClinVar aggregate classification (germline): Uncertain significance (1 of 4 stars; one submission).

Conditions:
Hereditary cancer-predisposing syndrome. Also called: Hereditary Cancer Syndrome; Neoplastic Syndromes, Hereditary; Tumor predisposition; Hereditary neoplastic syndrome. Identifiers: Orphanet 140162, MedGen C0027672, MeSH D009386, MONDO:0015356.

Submission:

Ambry Genetics
Classification: Uncertain significance for Hereditary cancer-predisposing syndrome. Last evaluated: 2017-05-08. Review status: criteria provided, single submitter. Criteria: Ambry Variant Classification Scheme 2023. Collection method: clinical testing. Allele origin: germline.
Comment: The p.R213S variant (also known as c.639G>T), located in coding exon 8 of the BRCA1 gene, results from a G to T substitution at nucleotide position 639. The arginine at codon 213 is replaced by serine, an amino acid with dissimilar properties. This amino acid position is not well conserved in available vertebrate species. In addition, the in silico prediction for this alteration is inconclusive. Since supporting evidence is limited at this time, the clinical significance of this alteration remains unclear.

NM_007294.4(BRCA1):c.639G>T (p.Arg213Ser)

Gene: BRCA1 (BRCA1 DNA repair associated; minus strand). Cytogenetic location: 17q21.31.
Variant type: single nucleotide variant.
Coding change: c.639G>T on transcript NM_007294.4 (MANE Select); coding-DNA position 639, G replaced by T.
Protein change: p.Arg213Ser; replaces arginine 213 with serine.
Molecular consequence: missense variant. On other transcripts: non-coding transcript variant (1).
Genome position (GRCh38, 1-based): chr17:43,095,877, C>A on the plus strand (G>T on the coding strand, the complement: BRCA1 is on the minus strand). VCF-style: chr17-43095877-C-A. GRCh37 (hg19) VCF-style: chr17-41247894-C-A.
Other names: c.258G>T, p.Arg86Ser (NM_001407959.1, NM_001407960.1, NM_001407963.1 and 1 more transcripts); c.255G>T, p.Arg85Ser (NM_001407962.1); c.495G>T, p.Arg165Ser (NM_001407964.1, NM_001407740.1, NM_001407741.1 and 26 more transcripts); c.639G>T, p.Arg213Ser (NM_001407968.1, NM_001407969.1, NM_001407970.1 and 59 more transcripts); c.561G>T, p.Arg187Ser (NM_001407657.1, NM_001407658.1, NM_001407663.1 and 9 more transcripts); c.558G>T, p.Arg186Ser (NM_001407659.1, NM_001407660.1, NM_001407661.1 and 3 more transcripts); c.498G>T, p.Arg166Ser (NM_001407692.1, NM_001407694.1, NM_001407695.1 and 43 more transcripts); c.426G>T, p.Arg142Ser (NM_001407853.1, NM_001407894.1, NM_001407895.1 and 12 more transcripts); and 4 more; short protein forms R213S, R166S, R186S, R210S, R85S, R187S, R212S, R142S.
Identifiers: ClinVar variation 480992 (VCV000480992.6), dbSNP rs1131692078, ClinGen allele CA10600826.